The following is an entry in ClinVar:

NM_006204.4(PDE6C):c.2304_2305del (p.Arg769_Asp770insTer)

Gene: PDE6C (phosphodiesterase 6C; plus strand). Cytogenetic location: 10q23.33.
Variant type: Deletion.
Coding change: c.2304_2305del on transcript NM_006204.4 (MANE Select); coding-DNA positions 2304 to 2305, 2 bases deleted (AA; older notation c.2304_2305delAA).
Protein change: p.Arg769_Asp770insTer.
Molecular consequence: frameshift variant.
Genome position (GRCh38, 1-based): chr10:93,662,580-93,662,581, AA deleted; deleting any 2 consecutive bases within chr10:93,662,578-93,662,581 gives the same sequence; the c. name uses the placement nearest the transcript's 3' end. VCF-style (leftmost placement, unchanged base first): chr10-93662577-CAA-C. GRCh37 (hg19) VCF-style: chr10-95422334-CAA-C.
Other names: c.2304_2305delAA (NM_006204.3).
Identifiers: ClinVar variation 866406 (VCV000866406.14), dbSNP rs1236291370, ClinGen allele CA470795086.

ClinVar aggregate classification (germline): Pathogenic/Likely pathogenic. Review status: criteria provided, multiple submitters, no conflicts (2 of 4 stars). 3 submissions from 3 submitters: Pathogenic (1); Likely pathogenic (2). Last evaluated 2025-11-18.

Conditions:
PDE6C-related disorder. Also called: PDE6C-related condition.

Submissions (3):

PreventionGenetics, part of Exact Sciences
Classification: Likely pathogenic for PDE6C-related condition. Last evaluated: 2025-11-18. Review status: criteria provided, single submitter. Criteria: ACMG Guidelines, 2015. Collection method: clinical testing. Allele origin: germline.
Comment: The PDE6C c.2304_2305delAA variant is predicted to result in premature protein termination (p.Asp770*). To our knowledge, this variant has not been reported in the literature for individuals with disease. This variant is present in 0.0026% of alleles in individuals of European (Non-Finnish) descent in gnomAD, and has been reported in a carrier screen of the general population (Hanany et al. 2020. PubMed ID: 31964843). Nonsense variants in PDE6C are an established mechanism of disease. This variant is interpreted as likely pathogenic.

Labcorp Genetics (formerly Invitae), Labcorp
Classification: Pathogenic. Last evaluated: 2024-01-18. Review status: criteria provided, single submitter. Criteria: Invitae Variant Classification Sherloc (09022015). Collection method: clinical testing. Allele origin: germline.
Comment: This sequence change creates a premature translational stop signal (p.Asp770*) in the PDE6C gene. It is expected to result in an absent or disrupted protein product. Loss-of-function variants in PDE6C are known to be pathogenic (PMID: 19887631, 23776498, 26103963, 30080950). This variant is present in population databases (no rsID available, gnomAD 0.002%). This variant has not been reported in the literature in individuals affected with PDE6C-related conditions. ClinVar contains an entry for this variant (Variation ID: 866406). For these reasons, this variant has been classified as Pathogenic.

Blueprint Genetics
Classification: Likely pathogenic for PDE6C-related disorders. Last evaluated: 2019-07-23. Review status: criteria provided, single submitter. Criteria: ACMG Guidelines, 2015. Collection method: clinical testing. Allele origin: germline. Affected: yes. Observed: 2 variant alleles.

Literature cited by the submitters: PubMed 19887631 (cited by Labcorp Genetics (formerly Invitae), Labcorp); PubMed 23776498 (cited by Labcorp Genetics (formerly Invitae), Labcorp); PubMed 26103963 (cited by Labcorp Genetics (formerly Invitae), Labcorp); PubMed 30080950 (cited by Labcorp Genetics (formerly Invitae), Labcorp).